The following is an entry in ClinVar:

ClinVar aggregate classification (germline): Uncertain significance (1 of 4 stars; one submission).

Submission:

Women's Health and Genetics/Laboratory Corporation of America, LabCorp
Classification: Uncertain significance. Last evaluated: 2025-06-20. Review status: criteria provided, single submitter. Criteria: LabCorp Variant Classification Summary - May 2015. Collection method: clinical testing. Allele origin: germline.
Comment: Variant summary: PCCA c.1119G>T (p.Met373Ile) results in a conservative amino acid change in the encoded protein sequence. Algorithms developed to predict the effect of missense changes on protein structure and function are either unavailable or do not agree on the potential impact of this missense change. The variant was absent in 251386 control chromosomes (gnomAD). The available data on variant occurrences in the general population are insufficient to allow any conclusion about variant significance. To our knowledge, no occurrence of c.1119G>T in individuals affected with Propionic Acidemia and no experimental evidence demonstrating its impact on protein function have been reported. No submitters have cited clinical-significance assessments for this variant to ClinVar. Based on the evidence outlined above, the variant was classified as uncertain significance.

NM_000282.4(PCCA):c.1119G>T (p.Met373Ile)

Gene: PCCA (propionyl-CoA carboxylase subunit alpha; plus strand). Cytogenetic location: 13q32.3.
Variant type: single nucleotide variant.
Coding change: c.1119G>T on transcript NM_000282.4 (MANE Select); coding-DNA position 1119, G replaced by T.
Protein change: p.Met373Ile; replaces methionine 373 with isoleucine.
Molecular consequence: missense variant. On other transcripts: non-coding transcript variant (5), intron variant (3).
Genome position (GRCh38, 1-based): chr13:100,301,513, G>T. VCF-style: chr13-100301513-G-T. GRCh37 (hg19) VCF-style: chr13-100953767-G-T.
Other names: c.1041G>T, p.Met347Ile (NM_001127692.3, NM_001352607.2); c.1119G>T, p.Met373Ile (NM_001178004.2, NM_001352605.2, NM_001352609.2); c.174G>T, p.Met58Ile (NM_001352610.2, NM_001352611.2); c.1066-1411G>T (NM_001352606.2); c.121-1411G>T (NM_001352612.2); c.988-1411G>T (NM_001352608.2); short protein forms M347I, M373I, M58I.
Identifiers: ClinVar variation 3907624 (VCV003907624.1).